The following is an entry in ClinVar:

NM_003403.5(YY1):c.809T>C (p.Leu270Pro)

Gene: YY1 (YY1 transcription factor; plus strand). Cytogenetic location: 14q32.2.
Variant type: single nucleotide variant.
Coding change: c.809T>C on transcript NM_003403.5 (MANE Select); coding-DNA position 809, T replaced by C.
Protein change: p.Leu270Pro; replaces leucine 270 with proline.
Molecular consequence: missense variant.
Genome position (GRCh38, 1-based): chr14:100,262,433, T>C. VCF-style: chr14-100262433-T-C. GRCh37 (hg19) VCF-style: chr14-100728770-T-C.
Other names: short protein forms L270P.
Identifiers: ClinVar variation 3772153 (VCV003772153.13).
Genomic context (GRCh38, chr14:100,262,433, plus strand): 5'-ATTATTCAGAATATATGACAGGAAAGAAACTTCCTCCTGGAGGAATACCTGGCATTGACC[T>C]CTCAGATCCCAAACAACTGGCAGAATTTGCTAGGTAAGTTATAAGAACTTTCCTTTCTTT-3'
Protein context (NP_003394.1, residues 260-280): LPPGGIPGID[Leu270Pro]SDPKQLAEFA

ClinVar aggregate classification (germline): Uncertain significance (1 of 4 stars; one submission).

Submission:

CeGaT Center for Human Genetics Tuebingen
Classification: Uncertain significance. Last evaluated: 2024-12-01. Review status: criteria provided, single submitter. Criteria: CeGaT Center For Human Genetics Tuebingen Variant Classification Criteria Version 2. Collection method: clinical testing. Allele origin: germline. Affected: yes. Observed: 1 variant allele.
Comment: YY1: PM2, PP2